The following is an entry in ClinVar:

ClinVar aggregate classification (germline): Uncertain significance. Review status: criteria provided, multiple submitters, no conflicts (2 of 4 stars). 3 submissions from 3 submitters: Uncertain significance (3). Last evaluated 2022-08-30.

Conditions:
Rolandic epilepsy, impaired intellectual development, and speech dyspraxia, X-linked. Also called: Rolandic epilepsy, intellectual disability, and speech dyspraxia, X-linked; Rolandic epilepsy, impaired intellectual development, and speech dyspraxia. Identifiers: MedGen C1845070, MONDO:0010388, OMIM 300643.

Allele frequency attached by ClinVar (database versions not stated): gnomAD 0.00005; gnomAD exomes 0.00004; TOPMed 0.00007.
gnomAD v4.1: 25 of 1,209,792 alleles (0.0021%); highest among the groups gnomAD compares: Admixed American, 0.046%; no homozygotes.

Submissions (3):

Ambry Genetics
Classification: Uncertain significance. Last evaluated: 2022-08-30. Review status: criteria provided, single submitter. Criteria: Ambry Variant Classification Scheme 2023. Collection method: clinical testing. Allele origin: germline.

Labcorp Genetics (formerly Invitae), Labcorp
Classification: Uncertain significance for Rolandic epilepsy, impaired intellectual development, and speech dyspraxia, X-linked. Last evaluated: 2020-11-10. Review status: criteria provided, single submitter. Criteria: Invitae Variant Classification Sherloc (09022015). Collection method: clinical testing. Allele origin: germline.
Comment: This sequence change replaces proline with leucine at codon 74 of the SRPX2 protein (p.Pro74Leu). The proline residue is highly conserved and there is a moderate physicochemical difference between proline and leucine. This variant is present in population databases (rs773892997, ExAC 0.04%). This variant has not been reported in the literature in individuals with SRPX2-related conditions. ClinVar contains an entry for this variant (Variation ID: 595782). Algorithms developed to predict the effect of missense changes on protein structure and function (SIFT, PolyPhen-2, Align-GVGD) all suggest that this variant is likely to be disruptive, but these predictions have not been confirmed by published functional studies and their clinical significance is uncertain. In summary, the available evidence is currently insufficient to determine the role of this variant in disease. Therefore, it has been classified as a Variant of Uncertain Significance.

Eurofins Ntd Llc (ga)
Classification: Uncertain significance. Last evaluated: 2018-01-30. Review status: criteria provided, single submitter. Criteria: EGL Classification Definitions 2015. Collection method: clinical testing. Allele origin: germline. Observed: 1 variant allele, 1 heterozygote.

NM_014467.3(SRPX2):c.221C>T (p.Pro74Leu)

Gene: SRPX2 (sushi repeat containing protein X-linked 2; plus strand). Cytogenetic location: Xq22.1.
Variant type: single nucleotide variant.
Coding change: c.221C>T on transcript NM_014467.3 (MANE Select); coding-DNA position 221, C replaced by T.
Protein change: p.Pro74Leu; replaces proline 74 with leucine.
Molecular consequence: missense variant.
Genome position (GRCh38, 1-based): chrX:100,662,233, C>T. VCF-style: chrX-100662233-C-T. GRCh37 (hg19) VCF-style: chrX-99917230-C-T.
Other names: c.221C>T (NM_014467.2); short protein forms P74L.
Identifiers: ClinVar variation 595782 (VCV000595782.13), dbSNP rs773892997, ClinGen allele CA10469448.